The following is an entry in ClinVar:

NM_001105206.3(LAMA4):c.4705A>T (p.Ile1569Phe)

Gene: LAMA4 (laminin subunit alpha 4; minus strand). Cytogenetic location: 6q21.
Variant type: single nucleotide variant.
Coding change: c.4705A>T on transcript NM_001105206.3 (MANE Select); coding-DNA position 4705, A replaced by T.
Protein change: p.Ile1569Phe; replaces isoleucine 1569 with phenylalanine.
Molecular consequence: missense variant.
Genome position (GRCh38, 1-based): chr6:112,119,272, T>A on the plus strand (A>T on the coding strand, the complement: LAMA4 is on the minus strand). VCF-style: chr6-112119272-T-A. GRCh37 (hg19) VCF-style: chr6-112440475-T-A.
Other names: c.4684A>T, p.Ile1562Phe (NM_001105207.3, NM_002290.5); short protein forms I1562F, I1569F.
Identifiers: ClinVar variation 1044529 (VCV001044529.6), dbSNP rs782480373, ClinGen allele CA3964922.
Genomic context (GRCh38, chr6:112,119,272, plus strand): 5'-TGATTTTCCAGGTAGCTTCAGTAGGAGGAAGACTTTCTTCTAGGACTCGGAGACCATCAA[T>A]TACCAGTCGGCCACTGCTCCTTTCTCGAATAAATATCACCTGGATGAAGAGAAGGACAAT-3'
Protein context (NP_001098676.2, residues 1559-1579): IRERSSGRLV[Ile1569Phe]DGLRVLEESL

ClinVar aggregate classification (germline): Uncertain significance (1 of 4 stars; one submission).

Conditions:
Dilated cardiomyopathy 1JJ (CMD1JJ). Identifiers: Orphanet 154, MedGen C3808935, MONDO:0014095, OMIM 615235.

Allele frequency attached by ClinVar (database versions not stated): gnomAD exomes below 0.00001; ExAC 0.00001.

Submission:

Labcorp Genetics (formerly Invitae), Labcorp
Classification: Uncertain significance for Dilated cardiomyopathy 1JJ. Last evaluated: 2021-10-25. Review status: criteria provided, single submitter. Criteria: Invitae Variant Classification Sherloc (09022015). Collection method: clinical testing. Allele origin: germline.
Comment: In summary, the available evidence is currently insufficient to determine the role of this variant in disease. Therefore, it has been classified as a Variant of Uncertain Significance. Algorithms developed to predict the effect of missense changes on protein structure and function are either unavailable or do not agree on the potential impact of this missense change (SIFT: "Deleterious"; PolyPhen-2: "Probably Damaging"; Align-GVGD: "Class C0"). This variant has not been reported in the literature in individuals affected with LAMA4-related conditions. This variant is present in population databases (rs782480373, ExAC 0.001%). This sequence change replaces isoleucine with phenylalanine at codon 1562 of the LAMA4 protein (p.Ile1562Phe). The isoleucine residue is highly conserved and there is a small physicochemical difference between isoleucine and phenylalanine.